The following is an entry in ClinVar:

ClinVar aggregate classification (germline): Uncertain significance (1 of 4 stars; one submission).

Conditions:
Joubert syndrome. Also called: CEREBELLOPARENCHYMAL DISORDER IV; JOUBERT-BOLTSHAUSER SYNDROME; Familial aplasia of the vermis. Identifiers: Orphanet 475, MedGen C5979921, MONDO:0018772.
Meckel-Gruber syndrome. Also called: DYSENCEPHALIA SPLANCHNOCYSTICA; GRUBER SYNDROME; Dysencephalia splachnocystica. Identifiers: Orphanet 564, MedGen C0265215, MONDO:0018921.

Allele frequency attached by ClinVar (database versions not stated): TOPMed below 0.00001; gnomAD 0.00001; ExAC 0.00002.

Submission:

Labcorp Genetics (formerly Invitae), Labcorp
Classification: Uncertain significance for Joubert syndrome; Meckel-Gruber syndrome. Last evaluated: 2024-01-09. Review status: criteria provided, single submitter. Criteria: Invitae Variant Classification Sherloc (09022015). Collection method: clinical testing. Allele origin: germline.
Comment: This sequence change affects codon 450 of the RPGRIP1L mRNA. It is a 'silent' change, meaning that it does not change the encoded amino acid sequence of the RPGRIP1L protein. This variant also falls at the last nucleotide of exon 11, which is part of the consensus splice site for this exon. The frequency data for this variant in the population databases is considered unreliable, as metrics indicate poor data quality at this position in the gnomAD database. This variant has not been reported in the literature in individuals affected with RPGRIP1L-related conditions. Variants that disrupt the consensus splice site are a relatively common cause of aberrant splicing (PMID: 17576681, 9536098). Algorithms developed to predict the effect of sequence changes on RNA splicing suggest that this variant may disrupt the consensus splice site. In summary, the available evidence is currently insufficient to determine the role of this variant in disease. Therefore, it has been classified as a Variant of Uncertain Significance.

Literature cited by the submitters: PubMed 17576681; PubMed 9536098.

NM_015272.5(RPGRIP1L):c.1350G>A (p.Gln450=)

Gene: RPGRIP1L (RPGRIP1 like; minus strand). Cytogenetic location: 16q12.2.
Variant type: single nucleotide variant.
Coding change: c.1350G>A on transcript NM_015272.5 (MANE Select); coding-DNA position 1350, G replaced by A.
Protein change: p.Gln450=; no amino-acid change (glutamine 450 retained).
Molecular consequence: synonymous variant.
Genome position (GRCh38, 1-based): chr16:53,658,772, C>T on the plus strand (G>A on the coding strand, the complement: RPGRIP1L is on the minus strand). VCF-style: chr16-53658772-C-T. GRCh37 (hg19) VCF-style: chr16-53692684-C-T.
Other names: c.1350G>A, p.Gln450= (NM_001127897.4, NM_001308334.3, NM_001330538.2).
Identifiers: ClinVar variation 2936365 (VCV002936365.1), dbSNP rs767157580, ClinGen allele CA8057840.